The following is an entry in ClinVar:

NM_014314.4(RIGI):c.692-5T>G

Gene: RIGI (RNA sensor RIG-I; minus strand). Cytogenetic location: 9p21.1.
Variant type: single nucleotide variant.
Coding change: c.692-5T>G on transcript NM_014314.4 (MANE Select); 5 bases into the intron before coding-DNA position 692, T replaced by G.
Molecular consequence: intron variant.
Genome position (GRCh38, 1-based): chr9:32,489,456, A>C on the plus strand (T>G on the coding strand, the complement: RIGI is on the minus strand). VCF-style: chr9-32489456-A-C. GRCh37 (hg19) VCF-style: chr9-32489454-A-C.
Other names: c.83-5T>G (NM_001385912.1); c.677-5T>G (NM_001385913.1); c.692-5T>G (NM_001385907.1, NM_001385909.1); c.251-8T>G (NM_001385914.1); c.251-5T>G (NM_001385910.1).
Identifiers: ClinVar variation 1944288 (VCV001944288.5), dbSNP rs1243958393, ClinGen allele CA863293910.

ClinVar aggregate classification (germline): Uncertain significance (1 of 4 stars; one submission).

Allele frequency attached by ClinVar (database versions not stated): gnomAD 0.00001; gnomAD exomes 0.00001; TOPMed 0.00001.
gnomAD v4.1: 12 of 1,599,396 alleles (0.00075%); highest among the groups gnomAD compares: Non-Finnish European, 0.001%; no homozygotes.

Submission:

Labcorp Genetics (formerly Invitae), Labcorp
Classification: Uncertain significance. Last evaluated: 2022-11-19. Review status: criteria provided, single submitter. Criteria: Invitae Variant Classification Sherloc (09022015). Collection method: clinical testing. Allele origin: germline.
Comment: This sequence change falls in intron 5 of the DDX58 gene. It does not directly change the encoded amino acid sequence of the DDX58 protein. This variant is not present in population databases (gnomAD no frequency). In summary, the available evidence is currently insufficient to determine the role of this variant in disease. Therefore, it has been classified as a Variant of Uncertain Significance. Algorithms developed to predict the effect of sequence changes on RNA splicing suggest that this variant may disrupt the consensus splice site. This variant has not been reported in the literature in individuals affected with DDX58-related conditions.